The following is an entry in ClinVar:

NM_032638.5(GATA2):c.1017+2T>G

Gene: GATA2 (GATA binding protein 2; minus strand). Cytogenetic location: 3q21.3.
Variant type: single nucleotide variant.
Coding change: c.1017+2T>G on transcript NM_032638.5 (MANE Select); the canonical splice donor site of the intron after coding-DNA position 1017, T replaced by G.
Molecular consequence: splice donor variant.
Genome position (GRCh38, 1-based): chr3:128,483,858, A>C on the plus strand (T>G on the coding strand, the complement: GATA2 is on the minus strand). VCF-style: chr3-128483858-A-C. GRCh37 (hg19) VCF-style: chr3-128202701-A-C.
Other names: c.1017+2T>G (NM_001145662.1, NM_001145661.2).
Identifiers: ClinVar variation 1184154 (VCV001184154.1), dbSNP rs1576746830, ClinGen allele CA354404216.

ClinVar aggregate classification (germline): Pathogenic (1 of 4 stars; one submission).

Conditions:
Deafness-lymphedema-leukemia syndrome. Also called: Emberger syndrome; Lymphedema, primary, with myelodysplasia. Identifiers: Orphanet 3226, MedGen C3279664, MONDO:0013540, OMIM 614038.
GATA2 deficiency with susceptibility to MDS/AML. Identifiers: MedGen CN300066, MONDO:0042982.

Submission:

Molecular Pathology Research Laboratory, SA Pathology
Classification: Pathogenic for GATA2 deficiency with susceptibility to MDS/AML; Deafness-lymphedema-leukemia syndrome. Last evaluated: 2021-07-06. Review status: criteria provided, single submitter. Criteria: ACMG Guidelines, 2015. Collection method: curation. Allele origin: unknown. Inheritance: Autosomal dominant inheritance. Affected: yes. Observed: 2 variant alleles.
Comment: PVS1, PS4_Moderate, PM2

Literature cited by the submitters: PubMed 22147895.